The following is an entry in ClinVar:

ClinVar aggregate classification (germline): Uncertain significance (1 of 4 stars; one submission).

Conditions:
Multiple endocrine neoplasia, type 1 (MEN1). Also called: MEA I; MEN I; WERMER SYNDROME; Endocrine adenomatosis multiple; MEN 1. Identifiers: Orphanet 652, MedGen C0025267, MeSH D018761, MONDO:0007540, OMIM 131100.

Submission:

Labcorp Genetics (formerly Invitae), Labcorp
Classification: Uncertain significance for Multiple endocrine neoplasia, type 1. Last evaluated: 2022-03-08. Review status: criteria provided, single submitter. Criteria: Invitae Variant Classification Sherloc (09022015). Collection method: clinical testing. Allele origin: germline.
Comment: In summary, the available evidence is currently insufficient to determine the role of this variant in disease. Therefore, it has been classified as a Variant of Uncertain Significance. This sequence change replaces aspartic acid, which is acidic and polar, with glutamic acid, which is acidic and polar, at codon 418 of the MEN1 protein (p.Asp418Glu). This variant is not present in population databases (gnomAD no frequency). This variant disrupts the p.Asp418 amino acid residue in MEN1. Other variant(s) that disrupt this residue have been determined to be pathogenic (PMID: 11303512, 11836268, 12050235, 12112656, 12652570, 14985373, 16840830, 17766710). This suggests that this residue is clinically significant, and that variants that disrupt this residue are likely to be disease-causing. Advanced modeling of protein sequence and biophysical properties (such as structural, functional, and spatial information, amino acid conservation, physicochemical variation, residue mobility, and thermodynamic stability) performed at Invitae indicates that this missense variant is expected to disrupt MEN1 protein function. ClinVar contains an entry for this variant (Variation ID: 662243). This variant has not been reported in the literature in individuals affected with MEN1-related conditions.

Literature cited by the submitters: PubMed 11303512; PubMed 11836268; PubMed 12050235; PubMed 12112656; PubMed 12652570; PubMed 14985373; PubMed 16840830; PubMed 17766710.

NM_001370259.2(MEN1):c.1254C>G (p.Asp418Glu)

Gene: MEN1 (menin 1; minus strand). Cytogenetic location: 11q13.1.
Variant type: single nucleotide variant.
Coding change: c.1254C>G on transcript NM_001370259.2 (MANE Select); coding-DNA position 1254, C replaced by G.
Protein change: p.Asp418Glu; replaces aspartic acid 418 with glutamic acid.
Molecular consequence: missense variant.
Genome position (GRCh38, 1-based): chr11:64,805,130, G>C on the plus strand (C>G on the coding strand, the complement: MEN1 is on the minus strand). VCF-style: chr11-64805130-G-C. GRCh37 (hg19) VCF-style: chr11-64572602-G-C.
Other names: c.1380C>G, p.Asp460Glu (NM_001370251.2); c.1254C>G, p.Asp418Glu (NM_001370260.2, NM_001370261.2, NM_130799.3); c.1149C>G, p.Asp383Glu (NM_001370262.2, NM_001370263.2); c.1269C>G, p.Asp423Glu (NM_130800.3, NM_130801.3, NM_130802.3 and 3 more transcripts); short protein forms D418E, D423E, D460E, D383E.
Identifiers: ClinVar variation 662243 (VCV000662243.8), dbSNP rs2071313, ClinGen allele CA381180506.